The following is an entry in ClinVar:

NC_000002.11:g.(?_47969473)_48033914del

Gene: MSH6 (mutS homolog 6; plus strand).
Variant type: Deletion.
Identifiers: ClinVar variation 1072675 (VCV001072675.2).

ClinVar aggregate classification (germline): Pathogenic (1 of 4 stars; one submission).

Conditions:
Hereditary nonpolyposis colorectal neoplasms. Identifiers: MedGen C0009405, MeSH D003123.

Submission:

Labcorp Genetics (formerly Invitae), Labcorp
Classification: Pathogenic for Hereditary nonpolyposis colorectal neoplasms. Last evaluated: 2020-03-10. Review status: criteria provided, single submitter. Criteria: Invitae Variant Classification Sherloc (09022015). Collection method: clinical testing. Allele origin: germline.
Comment: This variant is a gross deletion of the genomic region encompassing exon(s) 1-9 (c.-40900_4002-4del) of the MSH6 gene, which includes the initiator codon. This is expected to result in an absent or disrupted protein product. This variant has not been reported in the literature in individuals with MSH6-related conditions. Loss-of-function variants in MSH6 are known to be pathogenic (PMID: 18269114, 24362816). For these reasons, this variant has been classified as Pathogenic.

Literature cited by the submitters: PubMed 18269114; PubMed 24362816.